The following is an entry in ClinVar:

NM_001365276.2(TNXB):c.6938A>G (p.Asp2313Gly)

Gene: TNXB (tenascin XB; minus strand). Cytogenetic location: 6p21.33.
Variant type: single nucleotide variant.
Coding change: c.6938A>G on transcript NM_001365276.2 (MANE Select); coding-DNA position 6938, A replaced by G.
Protein change: p.Asp2313Gly; replaces aspartic acid 2313 with glycine.
Molecular consequence: missense variant.
Genome position (GRCh38, 1-based): chr6:32,062,387, T>C on the plus strand (A>G on the coding strand, the complement: TNXB is on the minus strand). VCF-style: chr6-32062387-T-C. GRCh37 (hg19) VCF-style: chr6-32030164-T-C.
Other names: c.7679A>G, p.Asp2560Gly (NM_001428335.1); c.6938A>G, p.Asp2313Gly (NM_019105.8); short protein forms D2560G, D2313G.
Identifiers: ClinVar variation 3459775 (VCV003459775.1).

ClinVar aggregate classification (germline): Uncertain significance (1 of 4 stars; one submission).

Conditions:
Cardiovascular phenotype. Identifiers: MedGen CN230736.

Submission:

Ambry Genetics
Classification: Uncertain significance for Cardiovascular phenotype. Last evaluated: 2024-08-19. Review status: criteria provided, single submitter. Criteria: Ambry Variant Classification Scheme 2023. Collection method: clinical testing. Allele origin: germline.
Comment: The p.D2313G variant (also known as c.6938A>G), located in coding exon 19 of the TNXB gene, results from an A to G substitution at nucleotide position 6938. The aspartic acid at codon 2313 is replaced by glycine, an amino acid with similar properties. This amino acid position is conserved. In addition, this alteration is predicted to be tolerated by in silico analysis. Based on the available evidence, the clinical significance of this variant remains unclear.